The following is an entry in ClinVar:

ClinVar aggregate classification (germline): Uncertain significance. Review status: criteria provided, single submitter (1 of 4 stars). 2 submissions from 2 submitters: Uncertain significance (1). 1 of the submissions does not count toward it. Last evaluated 2024-02-12.

Conditions:
LRRC45-related disorder. Also called: LRRC45-related condition.

Allele frequency attached by ClinVar (database versions not stated): ExAC 0.00001; gnomAD exomes 0.00003; ESP Exome Variant Server 0.00023.
gnomAD v4.1: 58 of 1,612,612 alleles (0.0036%); highest among the groups gnomAD compares: African/African-American, 0.033%; no homozygotes.

Submissions (2):

Ambry Genetics
Classification: Uncertain significance. Last evaluated: 2024-02-12. Review status: criteria provided, single submitter. Criteria: Ambry Variant Classification Scheme 2023. Collection method: clinical testing. Allele origin: germline.

PreventionGenetics, part of Exact Sciences
Classification: Uncertain significance for LRRC45-related condition. Last evaluated: 2024-08-02. Review status: no assertion criteria provided. Collection method: clinical testing. Allele origin: germline. Not counted in ClinVar's aggregate classification.
Comment: The LRRC45 c.809G>A variant is predicted to result in the amino acid substitution p.Arg270Gln. To our knowledge, this variant has not been reported in the literature. This variant is reported in 0.036% of alleles in individuals of African descent in gnomAD. At this time, the clinical significance of this variant is uncertain due to the absence of conclusive functional and genetic evidence.

NM_144999.4(LRRC45):c.809G>A (p.Arg270Gln)

Gene: LRRC45 (leucine rich repeat containing 45; plus strand). Cytogenetic location: 17q25.3.
Variant type: single nucleotide variant.
Coding change: c.809G>A on transcript NM_144999.4 (MANE Select); coding-DNA position 809, G replaced by A.
Protein change: p.Arg270Gln; replaces arginine 270 with glutamine.
Molecular consequence: missense variant.
Genome position (GRCh38, 1-based): chr17:82,027,420, G>A. VCF-style: chr17-82027420-G-A. GRCh37 (hg19) VCF-style: chr17-79985296-G-A.
Other names: c.809G>A (NM_144999.3); short protein forms R270Q.
Identifiers: ClinVar variation 3120744 (VCV003120744.2), dbSNP rs375781595, ClinGen allele CA8847798.